The following is an entry in ClinVar:

ClinVar aggregate classification (germline): Uncertain significance. Review status: criteria provided, multiple submitters, no conflicts (2 of 4 stars). 4 submissions from 4 submitters: Uncertain significance (4). Last evaluated 2026-02-03.

Conditions:
Hereditary cancer-predisposing syndrome. Also called: Neoplastic Syndromes, Hereditary; Tumor predisposition; Hereditary Cancer Syndrome; Hereditary neoplastic syndrome. Identifiers: Orphanet 140162, MedGen C0027672, MeSH D009386, MONDO:0015356.
BAP1-related tumor predisposition syndrome (TPDS1). Also called: BAP1 tumor predisposition syndrome; Tumor susceptibility linked to germline BAP1 mutations; TUMOR PREDISPOSITION SYNDROME 1; COMMON Syndrome. Identifiers: Orphanet 289539, MedGen C3280492, MONDO:0013692, OMIM 614327.

Allele frequency attached by ClinVar (database versions not stated): gnomAD exomes below 0.00001; TOPMed below 0.00001; ExAC 0.00001; gnomAD 0.00001.
gnomAD v4.1: 11 of 1,613,966 alleles (0.00068%); highest among the groups gnomAD compares: Non-Finnish European, 0.00093%; no homozygotes.

Submissions (4):

Labcorp Genetics (formerly Invitae), Labcorp
Classification: Uncertain significance for BAP1-related tumor predisposition syndrome. Last evaluated: 2026-02-03. Review status: criteria provided, single submitter. Criteria: Invitae Variant Classification Sherloc (09022015). Collection method: clinical testing. Allele origin: germline.
Comment: This sequence change replaces arginine, which is basic and polar, with cysteine, which is neutral and slightly polar, at codon 545 of the BAP1 protein (p.Arg545Cys). This variant is present in population databases (rs778628881, gnomAD 0.006%). This variant has not been reported in the literature in individuals affected with BAP1-related conditions. ClinVar contains an entry for this variant (Variation ID: 412423). Invitae Evidence Modeling of protein sequence and biophysical properties (such as structural, functional, and spatial information, amino acid conservation, physicochemical variation, residue mobility, and thermodynamic stability) indicates that this missense variant is not expected to disrupt BAP1 protein function with a negative predictive value of 80%. In summary, the available evidence is currently insufficient to determine the role of this variant in disease. Therefore, it has been classified as a Variant of Uncertain Significance.

Ambry Genetics
Classification: Uncertain significance for Hereditary cancer-predisposing syndrome. Last evaluated: 2024-12-10. Review status: criteria provided, single submitter. Criteria: Ambry Variant Classification Scheme 2023. Collection method: clinical testing. Allele origin: germline.
Comment: The p.R545C variant (also known as c.1633C>T), located in coding exon 13 of the BAP1 gene, results from a C to T substitution at nucleotide position 1633. The arginine at codon 545 is replaced by cysteine, an amino acid with highly dissimilar properties. This amino acid position is highly conserved in available vertebrate species. In addition, this alteration is predicted to be deleterious by in silico analysis. Based on the available evidence, the clinical significance of this variant remains unclear.

Baylor Genetics
Classification: Uncertain significance for BAP1-related tumor predisposition syndrome. Last evaluated: 2023-10-31. Review status: criteria provided, single submitter. Criteria: ACMG Guidelines, 2015. Collection method: clinical testing. Allele origin: unknown.

Color Diagnostics, LLC DBA Color Health
Classification: Uncertain significance for Hereditary cancer-predisposing syndrome. Last evaluated: 2021-05-17. Review status: criteria provided, single submitter. Criteria: ACMG Guidelines, 2015. Collection method: clinical testing. Allele origin: germline.
Comment: This missense variant replaces arginine with cysteine at codon 545 of the BAP1 protein. Computational prediction is inconclusive regarding the impact of this variant on protein structure and function (internally defined REVEL score threshold 0.5 < inconclusive < 0.7, PMID: 27666373). To our knowledge, functional studies have not been reported for this variant. This variant has not been reported in individuals affected with hereditary cancer in the literature. This variant has been identified in 1/251146 chromosomes in the general population by the Genome Aggregation Database (gnomAD). The available evidence is insufficient to determine the role of this variant in disease conclusively. Therefore, this variant is classified as a Variant of Uncertain Significance.

NM_004656.4(BAP1):c.1633C>T (p.Arg545Cys)

Gene: BAP1 (BRCA1 associated deubiquitinase 1; minus strand). Cytogenetic location: 3p21.1.
Variant type: single nucleotide variant.
Coding change: c.1633C>T on transcript NM_004656.4 (MANE Select); coding-DNA position 1633, C replaced by T.
Protein change: p.Arg545Cys; replaces arginine 545 with cysteine.
Molecular consequence: missense variant.
Genome position (GRCh38, 1-based): chr3:52,403,512, G>A on the plus strand (C>T on the coding strand, the complement: BAP1 is on the minus strand). VCF-style: chr3-52403512-G-A. GRCh37 (hg19) VCF-style: chr3-52437528-G-A.
Other names: short protein forms R545C.
Identifiers: ClinVar variation 412423 (VCV000412423.17), dbSNP rs778628881, ClinGen allele CA2436767.
Genomic context (GRCh38, chr3:52,403,512, plus strand): 5'-CCAGGTGCAGCAGGCCTGTGCTGATGACAGGACCCAGATCACGGACAGCACGGTTGTAGC[G>A]TATGCAGTCAACACGCAGCAGGCTGTCATCCTCTCCAAAAAGCACCTTGGAGATGTGGGA-3'
Protein context (NP_004647.1, residues 535-555): DDSLLRVDCI[Arg545Cys]YNRAVRDLGP